The following is an entry in ClinVar:

NM_001006658.3(CR2):c.2062T>C (p.Tyr688His)

Gene: CR2 (complement C3d receptor 2; plus strand). Cytogenetic location: 1q32.2.
Variant type: single nucleotide variant.
Coding change: c.2062T>C on transcript NM_001006658.3 (MANE Select); coding-DNA position 2062, T replaced by C.
Protein change: p.Tyr688His; replaces tyrosine 688 with histidine.
Molecular consequence: missense variant. On other transcripts: intron variant (1).
Genome position (GRCh38, 1-based): chr1:207,473,628, T>C. VCF-style: chr1-207473628-T-C. GRCh37 (hg19) VCF-style: chr1-207646973-T-C.
Other names: c.1979-173T>C (NM_001877.5); short protein forms Y688H.
Identifiers: ClinVar variation 1054486 (VCV001054486.7), dbSNP rs757174881, ClinGen allele CA1368870.

ClinVar aggregate classification (germline): Uncertain significance (1 of 4 stars; one submission).

Conditions:
Immunodeficiency, common variable, 7. Identifiers: Orphanet 1572, Orphanet 696894, MedGen C3542922, MONDO:0013862, OMIM 614699.

Allele frequency attached by ClinVar (database versions not stated): TOPMed 0.00002; ExAC 0.00002; gnomAD exomes 0.00003 and 0.00001; gnomAD 0.00001.
gnomAD v4.1: 13 of 1,613,930 alleles (0.00081%); highest among the groups gnomAD compares: Admixed American, 0.0083%; no homozygotes.

Submission:

Labcorp Genetics (formerly Invitae), Labcorp
Classification: Uncertain significance for Immunodeficiency, common variable, 7. Last evaluated: 2024-02-17. Review status: criteria provided, single submitter. Criteria: Invitae Variant Classification Sherloc (09022015). Collection method: clinical testing. Allele origin: germline.
Comment: This sequence change replaces tyrosine, which is neutral and polar, with histidine, which is basic and polar, at codon 688 of the CR2 protein (p.Tyr688His). This variant is present in population databases (rs757174881, gnomAD 0.01%). This variant has not been reported in the literature in individuals affected with CR2-related conditions. ClinVar contains an entry for this variant (Variation ID: 1054486). An algorithm developed to predict the effect of missense changes on protein structure and function (PolyPhen-2) suggests that this variant is likely to be disruptive. In summary, the available evidence is currently insufficient to determine the role of this variant in disease. Therefore, it has been classified as a Variant of Uncertain Significance.